The following is an entry in ClinVar:

ClinVar aggregate classification (germline): Conflicting classifications of pathogenicity. Review status: criteria provided, conflicting classifications (1 of 4 stars). 4 submissions from 4 submitters: Uncertain significance (3); Likely benign (1). Last evaluated 2021-09-13.

Conditions:
Myopathy, myofibrillar, 9, with early respiratory failure (MFM9). Also called: Hereditary myopathy with early respiratory failure; EDSTROM MYOPATHY; MYOPATHY, PROXIMAL, WITH EARLY RESPIRATORY MUSCLE INVOLVEMENT; Myopathy, distal, with early respiratory failure, autosomal dominant. Identifiers: Orphanet 178464, Orphanet 34521, MedGen C1863599, MONDO:0011362, OMIM 603689.
Hypertrophic cardiomyopathy 9. Also called: Familial hypertrophic cardiomyopathy 9. Identifiers: MedGen C1861065, MONDO:0013412, OMIM 613765.
Early-onset myopathy with fatal cardiomyopathy (CMYO5). Also called: CONGENITAL MYOPATHY 5 WITH CARDIOMYOPATHY; Salih Myopathy. Identifiers: Orphanet 289377, MedGen C2673677, MONDO:0012714, OMIM 611705. Disease mechanism: loss of function.
Tibial muscular dystrophy (TMD). Also called: Tibial muscular dystrophy, tardive; UDD MYOPATHY; Udd Distal Myopathy – Tibial Muscular Dystrophy. Identifiers: Orphanet 609, MedGen C1838244, MONDO:0010870, OMIM 600334.
Autosomal recessive limb-girdle muscular dystrophy type 2J (LGMDR10). Also called: MUSCULAR DYSTROPHY, LIMB-GIRDLE, AUTOSOMAL RECESSIVE 10; Limb-girdle muscular dystrophy, type 2J. Identifiers: Orphanet 140922, MedGen C1837342, MONDO:0012127, OMIM 608807.
Dilated cardiomyopathy 1G (CMD1G). Identifiers: Orphanet 154, MedGen C1858763, MONDO:0011400, OMIM 604145.

Allele frequency attached by ClinVar (database versions not stated): ExAC 0.00007; gnomAD exomes 0.00007 and 0.00010; TOPMed 0.00008; ESP Exome Variant Server 0.00015; gnomAD 0.00005.
gnomAD v4.1: 106 of 1,613,192 alleles (0.0066%); highest among the groups gnomAD compares: Admixed American, 0.018%; 1 homozygote.

Submissions (4):

Fulgent Genetics
Classification: Uncertain significance for Tibial muscular dystrophy; Myopathy, myofibrillar, 9, with early respiratory failure; Dilated cardiomyopathy 1G; Autosomal recessive limb-girdle muscular dystrophy type 2J; Early-onset myopathy with fatal cardiomyopathy; Hypertrophic cardiomyopathy 9. Last evaluated: 2021-09-13. Review status: criteria provided, single submitter. Criteria: ACMG Guidelines, 2015. Collection method: clinical testing. Allele origin: unknown.

Blueprint Genetics
Classification: Likely benign. Last evaluated: 2020-03-11. Review status: criteria provided, single submitter. Criteria: ACMG Guidelines, 2015. Collection method: clinical testing. Allele origin: germline.

GeneDx
Classification: Uncertain significance. Last evaluated: 2015-10-12. Review status: criteria provided, single submitter. Criteria: GeneDx Variant Classification (06012015). Collection method: clinical testing. Allele origin: germline. Affected: yes.
Comment: Missense variants in the TTN gene are considered 'unclassified' if they are not previously reported in the literature and do not have >1% frequency in the population to be considered a polymorphism. Research indicates that truncating mutations in the TTN gene are expected to account for approximately 25% of familial and 18% of sporadic idiopathic DCM; however, truncating variants in the TTN gene have been reported in approximately 3% of reported control alleles. There has been little investigation into non-truncating variants. (Herman D et al. Truncations of titin causing dilated cardiomyopathy. N Eng J Med 366:619-628, 2012) The variant is found in DCM-CRDM panel(s).

Biesecker Lab/Clinical Genomics Section, National Institutes of Health
Classification: Uncertain significance. Last evaluated: 2013-06-24. Review status: criteria provided, single submitter. Criteria: Ng et al. (Circ Cardiovasc Genet. 2013). Collection method: research. Allele origin: unknown. Observed: 1 variant allele. Study: ClinSeq.
Comment: The study set was not selected for affection status in relation to any cancer. Pathogenicity categories were based on literature curation. See Pubmed ID:23861362 for details.

Medical sequencing

NM_133379.5(TTN):c.15349T>G (p.Tyr5117Asp)

Gene: TTN (titin; minus strand). Cytogenetic location: 2q31.2.
Variant type: single nucleotide variant.
Coding change: c.15349T>G on transcript NM_133379.5; coding-DNA position 15349, T replaced by G.
Protein change: p.Tyr5117Asp; replaces tyrosine 5117 with aspartic acid.
Molecular consequence: missense variant. On other transcripts: intron variant (6).
Genome position (GRCh38, 1-based): chr2:178,747,051, A>C on the plus strand (T>G on the coding strand, the complement: TTN is on the minus strand). VCF-style: chr2-178747051-A-C. GRCh37 (hg19) VCF-style: chr2-179611778-A-C.
Other names: p.Y5117D:TAT>GAT; c.10223-5130T>G (NM_003319.4); c.10799-5130T>G (NM_133437.4); c.10598-5130T>G (NM_133432.3); c.10360+6073T>G (NM_133378.4); c.10361-5130T>G (NM_001256850.1); c.11312-5130T>G (NM_001267550.2); short protein forms Y5117D.
Identifiers: ClinVar variation 192045 (VCV000192045.4), dbSNP rs201308378, ClinGen allele CA302519.